The following is an entry in ClinVar:

NM_007118.4(TRIO):c.1672C>T (p.Arg558Cys)

Gene: TRIO (trio Rho guanine nucleotide exchange factor; plus strand). Cytogenetic location: 5p15.2.
Variant type: single nucleotide variant.
Coding change: c.1672C>T on transcript NM_007118.4 (MANE Select); coding-DNA position 1672, C replaced by T.
Protein change: p.Arg558Cys; replaces arginine 558 with cysteine.
Molecular consequence: missense variant. On other transcripts: non-coding transcript variant (1).
Genome position (GRCh38, 1-based): chr5:14,316,684, C>T. VCF-style: chr5-14316684-C-T. GRCh37 (hg19) VCF-style: chr5-14316793-C-T.
Other names: short protein forms R558C.
Identifiers: ClinVar variation 4537144 (VCV004537144.1).

ClinVar aggregate classification (germline): Uncertain significance (1 of 4 stars; one submission).

gnomAD v4.1: 11 of 1,614,096 alleles (0.00068%); highest among the groups gnomAD compares: East Asian, 0.0067%; no homozygotes.

Submission:

Women's Health and Genetics/Laboratory Corporation of America, LabCorp
Classification: Uncertain significance. Last evaluated: 2025-11-03. Review status: criteria provided, single submitter. Criteria: LabCorp Variant Classification Summary - May 2015. Collection method: clinical testing. Allele origin: germline.
Comment: Variant summary: TRIO c.1672C>T (p.Arg558Cys) results in a non-conservative amino acid change in the encoded protein sequence. Algorithms developed to predict the effect of missense changes on protein structure and function are either unavailable or do not agree on the potential impact of this missense change. The variant allele was found at a frequency of 4e-06 in 250894 control chromosomes. The available data on variant occurrences in the general population are insufficient to allow any conclusion about variant significance. To our knowledge, no occurrence of c.1672C>T in individuals affected with TRIO-related conditions and no experimental evidence demonstrating its impact on protein function have been reported. No submitters have cited clinical-significance assessments for this variant to ClinVar. Based on the evidence outlined above, the variant was classified as uncertain significance.